The following is an entry in ClinVar:

ClinVar aggregate classification (germline): Uncertain significance (1 of 4 stars; one submission).

Conditions:
Hereditary nonpolyposis colorectal neoplasms. Identifiers: MedGen C0009405, MeSH D003123.

Submission:

Labcorp Genetics (formerly Invitae), Labcorp
Classification: Uncertain significance for Hereditary nonpolyposis colorectal neoplasms. Last evaluated: 2025-11-09. Review status: criteria provided, single submitter. Criteria: Invitae Variant Classification Sherloc (09022015). Collection method: clinical testing. Allele origin: germline.
Comment: This sequence change replaces aspartic acid, which is acidic and polar, with glycine, which is neutral and non-polar, at codon 510 of the PMS2 protein (p.Asp510Gly). This variant is not present in population databases (gnomAD no frequency). This variant has not been reported in the literature in individuals affected with PMS2-related conditions. ClinVar contains an entry for this variant (Variation ID: 2816081). Invitae Evidence Modeling incorporating data from in vitro experimental studies (internal data) indicates that this missense variant is not expected to disrupt PMS2 function with a negative predictive value of 95%. In summary, the available evidence is currently insufficient to determine the role of this variant in disease. Therefore, it has been classified as a Variant of Uncertain Significance.

NM_000535.7(PMS2):c.1529A>G (p.Asp510Gly)

Gene: PMS2 (PMS1 homolog 2, mismatch repair system component; minus strand). Cytogenetic location: 7p22.1.
Variant type: single nucleotide variant.
Coding change: c.1529A>G on transcript NM_000535.7 (MANE Select); coding-DNA position 1529, A replaced by G.
Protein change: p.Asp510Gly; replaces aspartic acid 510 with glycine.
Molecular consequence: missense variant. On other transcripts: non-coding transcript variant (1), intron variant (1).
Genome position (GRCh38, 1-based): chr7:5,987,236, T>C on the plus strand (A>G on the coding strand, the complement: PMS2 is on the minus strand). VCF-style: chr7-5987236-T-C. GRCh37 (hg19) VCF-style: chr7-6026867-T-C.
Other names: c.1124A>G, p.Asp375Gly (NM_001018040.1, NM_001322003.2, NM_001322004.2 and 17 more transcripts); c.1373A>G, p.Asp458Gly (NM_001322006.2, NM_001406870.1); c.1211A>G, p.Asp404Gly (NM_001322007.2, NM_001322008.2, NM_001406876.1 and 2 more transcripts); c.1529A>G, p.Asp510Gly (NM_001406871.1, NM_001406872.1, NM_001322014.2); c.1331A>G, p.Asp444Gly (NM_001406873.1); c.1361A>G, p.Asp454Gly (NM_001406874.1); c.1220A>G, p.Asp407Gly (NM_001406875.1, NM_001406877.1, NM_001406878.1 and 5 more transcripts); c.956A>G, p.Asp319Gly (NM_001406909.1, NM_001322013.2); and 13 more; short protein forms D199G, D352G, D402G, D407G, D444G, D339G, D355G, D388G.
Identifiers: ClinVar variation 2816081 (VCV002816081.3), dbSNP rs2128728701, ClinGen allele CA366741659.